The following is an entry in ClinVar:

NM_000059.4(BRCA2):c.4915G>A (p.Val1639Ile)

Gene: BRCA2 (BRCA2 DNA repair associated; plus strand). Cytogenetic location: 13q13.1.
Variant type: single nucleotide variant.
Coding change: c.4915G>A on transcript NM_000059.4 (MANE Select); coding-DNA position 4915, G replaced by A.
Protein change: p.Val1639Ile; replaces valine 1639 with isoleucine.
Molecular consequence: missense variant.
Genome position (GRCh38, 1-based): chr13:32,339,270, G>A. VCF-style: chr13-32339270-G-A. GRCh37 (hg19) VCF-style: chr13-32913407-G-A.
Other names: p.Val1639Ile; 5143G>A; short protein forms V1639I.
Identifiers: ClinVar variation 37932 (VCV000037932.29), dbSNP rs80358716, ClinGen allele CA020999.

ClinVar aggregate classification (germline): Conflicting classifications of pathogenicity. Review status: criteria provided, conflicting classifications (1 of 4 stars). 15 submissions from 15 submitters: Uncertain significance (2); Benign (1); Likely benign (9). 3 of the submissions do not count toward it. Last evaluated 2026-02-04.

Conditions:
Hereditary cancer-predisposing syndrome. Also called: Tumor predisposition; Neoplastic Syndromes, Hereditary; Hereditary neoplastic syndrome; Hereditary Cancer Syndrome. Identifiers: Orphanet 140162, MedGen C0027672, MeSH D009386, MONDO:0015356.
Familial pancreatic carcinoma. Identifiers: Orphanet 1333, MedGen C2931038, MONDO:0015278, OMIM 260350.
Breast neoplasm. Also called: Breast Neoplasms; Neoplasm of breast; Breast tumor; Neoplasm of the breast. Identifiers: MedGen C1458155, MeSH D001943, MONDO:0021100, HP:0100013. Disease mechanism: gain of function.
Hereditary breast ovarian cancer syndrome. Also called: Hereditary breast and ovarian cancer; Hereditary breast and ovarian cancer syndrome (HBOC); Hereditary breast and/or ovarian cancer syndrome; Breast and ovarian cancer; Hereditary breast and ovarian cancer syndrome; BRCA1- and BRCA2-Associated Hereditary Breast and Ovarian Cancer. Identifiers: Orphanet 145, MedGen C0677776, MeSH D061325, MONDO:0003582. Disease mechanism: loss of function.
Breast-ovarian cancer, familial, susceptibility to, 2 (BROVCA2). Also called: BRCA2 Hereditary Breast and Ovarian Cancer. Identifiers: Orphanet 145, MedGen C2675520, MONDO:0012933, OMIM 612555. Disease mechanism: loss of function.

Allele frequency attached by ClinVar (database versions not stated): gnomAD 0.00006 and 0.00005; TOPMed 0.00006; ExAC 0.00001; gnomAD exomes 0.00002 and 0.00003.
gnomAD v4.1: 50 of 1,610,544 alleles (0.0031%); highest among the groups gnomAD compares: East Asian, 0.011%; no homozygotes.

Submissions (15):

Labcorp Genetics (formerly Invitae), Labcorp
Classification: Likely benign for Hereditary breast ovarian cancer syndrome. Last evaluated: 2026-02-04. Review status: criteria provided, single submitter. Criteria: Invitae Variant Classification Sherloc (09022015). Collection method: clinical testing. Allele origin: germline.

Mayo Clinic Laboratories, Mayo Clinic
Classification: Likely benign. Last evaluated: 2025-07-08. Review status: criteria provided, single submitter. Criteria: ACMG Guidelines, 2015. Collection method: clinical testing. Allele origin: germline. Observed: 1 variant allele.
Comment: BS1_supporting, BP1_strong

Women's Health and Genetics/Laboratory Corporation of America, LabCorp
Classification: Likely benign. Last evaluated: 2025-02-12. Review status: criteria provided, single submitter. Criteria: LabCorp Variant Classification Summary - May 2015. Collection method: clinical testing. Allele origin: germline.
Comment: Variant summary: BRCA2 c.4915G>A (p.Val1639Ile) results in a conservative amino acid change in the encoded protein sequence. Five of five in-silico tools predict a benign effect of the variant on protein function. The variant allele was found at a frequency of 0.002 in 322948 control chromosomes (gnomAD and Okawa_2023). The observed variant frequency is approximately 3 fold of the estimated maximal expected allele frequency for a pathogenic variant in BRCA2 causing Hereditary Breast And Ovarian Cancer Syndrome phenotype (0.00075). c.4915G>A has been reported in the literature as a VUS in settings of multigene panel testing among individuals affected with Breast/Ovarian/Uterine Cancer, however these reports do not provide unequivocal conclusions about association of the variant with Hereditary Breast And Ovarian Cancer Syndrome (example, Lu_2012, Peixoto_2014, Pennington_2013, Zhong_2016, Tanabe_2016, Bhaskaran_2019, Momozawa_2018). Multiple co-occurrences with other pathogenic variants have been reported in the BIC database and observed at our laboratory (BIC - BRCA1 c.2457_2457delC; BRCA1 whole gene deletion; Our laboratory - BRCA2 c.5073dupA, p.Trp1692fsX3; BRCA1 c.5324T>G, p.Met1775Arg), providing supporting evidence for a benign role. To our knowledge, no experimental evidence demonstrating an impact on protein function has been reported. The following publications have been ascertained in the context of this evaluation (PMID: 30702160, 22476429, 30287823, 36243179, 24916970, 22811390, 27852271, 27257965). ClinVar contains an entry for this variant (Variation ID: 37932). Based on the evidence outlined above, the variant was classified as likely benign.

ARUP Laboratories, Molecular Genetics and Genomics, ARUP Laboratories
Classification: Likely benign. Last evaluated: 2024-05-14. Review status: criteria provided, single submitter. Criteria: ARUP Molecular Germline Variant Investigation Process 2024. Collection method: clinical testing. Allele origin: germline.

Quest Diagnostics Nichols Institute San Juan Capistrano
Classification: Likely benign. Last evaluated: 2023-05-08. Review status: criteria provided, single submitter. Criteria: Quest Diagnostics criteria. Collection method: clinical testing. Allele origin: unknown.

University of Washington Department of Laboratory Medicine, University of Washington
Classification: Likely benign for Hereditary cancer-predisposing syndrome. Last evaluated: 2023-03-23. Review status: criteria provided, single submitter. Criteria: Dines et al. (Genet Med. 2020). Collection method: curation. Allele origin: germline.
Comment: Missense variant in a coldspot region where missense variants are very unlikely to be pathogenic (PMID:31911673).

BRCA2 exon 11 coldspot. Reclassification based on statistical prior probability.

Department of Pathology and Laboratory Medicine, Sinai Health System
Classification: Likely benign for Familial pancreatic carcinoma. Last evaluated: 2022-04-12. Review status: criteria provided, single submitter. Criteria: ACMG Guidelines, 2015. Collection method: clinical testing. Allele origin: germline. Affected: yes.

Sema4
Classification: Uncertain significance for Hereditary cancer-predisposing syndrome. Last evaluated: 2021-08-25. Review status: criteria provided, single submitter. Criteria: Sema4 Curation Guidelines. Collection method: curation. Allele origin: germline.
Comment: The BRCA2 c.4915G>A (p.V1639I) variant has been reported in individuals with breast and/or ovarian cancer, uterine cancer, pancreatic cancer, and melanoma as well as in controls (PMID: 22476429, 22811390, 24916970, 27257965, 29684080, 33471991, 30287823, 32980694). It was observed in 6/127830 chromosomes of the Non-Finnish European subpopulation in the large and broad cohorts of the Genome Aggregation Database (PMID: 32461654). The variant has been reported in ClinVar (Variation ID 37932). Functional studies have not been performed, and in silico predictions of the variant's effect on protein function are inconclusive. The evidence is insufficient to meet ACMG/AMP criteria for classifying the variant as benign or pathogenic. Thus, the clinical significance of this variant is currently uncertain.

GeneDx
Classification: Likely benign. Last evaluated: 2020-01-13. Review status: criteria provided, single submitter. Criteria: GeneDx Variant Classification Process June 2021. Collection method: clinical testing. Allele origin: germline. Affected: yes.
Comment: This variant is associated with the following publications: (PMID: 22811390, 10923033, 24916970, 22476429, 27257965, 24817641, 30287823, 30702160, 31131967, 30410429, 31825140)

Laboratory of Molecular Diagnosis of Cancer, West China Hospital, Sichuan University
Classification: Uncertain significance for Breast neoplasm. Last evaluated: 2015-11-01. Review status: criteria provided, single submitter. Criteria: ACMG Guidelines, 2015. Collection method: research. Allele origin: germline. Affected: yes. Observed: 1 variant allele.

Color Diagnostics, LLC DBA Color Health
Classification: Likely benign for Hereditary cancer-predisposing syndrome. Last evaluated: 2015-07-28. Review status: criteria provided, single submitter. Criteria: ACMG Guidelines, 2015. Collection method: clinical testing. Allele origin: germline.

Ambry Genetics
Classification: Benign for Hereditary cancer-predisposing syndrome. Last evaluated: 2014-11-19. Review status: criteria provided, single submitter. Criteria: Ambry Variant Classification Scheme 2023. Collection method: clinical testing. Allele origin: germline.

Counsyl
Classification: Uncertain significance for Breast-ovarian cancer, familial, susceptibility to, 2. Last evaluated: 2015-12-30. Review status: no assertion criteria provided. Collection method: clinical testing. Allele origin: unknown. Not counted in ClinVar's aggregate classification.

Sharing Clinical Reports Project (SCRP)
Classification: Benign for Breast-ovarian cancer, familial 2. Last evaluated: 2009-11-11. Review status: no assertion criteria provided. Collection method: clinical testing. Allele origin: germline. Not counted in ClinVar's aggregate classification.

Breast Cancer Information Core (BIC) (BRCA2)
Classification: Uncertain significance for Breast-ovarian cancer, familial 2. Last evaluated: 2002-05-29. Review status: no assertion criteria provided. Collection method: clinical testing. Allele origin: germline. Affected: yes. Observed: 7 variant alleles. Not counted in ClinVar's aggregate classification.

Literature cited by the submitters: PubMed 22811390 (cited by 4 submitters); PubMed 22476429 (cited by 4 submitters); PubMed 24916970 (cited by 5 submitters); PubMed 27257965 (cited by 5 submitters); PubMed 27852271 (cited by Women's Health and Genetics/Laboratory Corporation of America, LabCorp); PubMed 30287823 (cited by 4 submitters); PubMed 30702160 (cited by Women's Health and Genetics/Laboratory Corporation of America, LabCorp and Quest Diagnostics Nichols Institute San Juan Capistrano); PubMed 36243179 (cited by Women's Health and Genetics/Laboratory Corporation of America, LabCorp); PubMed 24817641 (cited by Quest Diagnostics Nichols Institute San Juan Capistrano and Counsyl); PubMed 33471991 (cited by Quest Diagnostics Nichols Institute San Juan Capistrano and Sema4); PubMed 31825140 (cited by Quest Diagnostics Nichols Institute San Juan Capistrano); PubMed 30410429 (cited by Quest Diagnostics Nichols Institute San Juan Capistrano); PubMed 29684080 (cited by Sema4); PubMed 32980694 (cited by Sema4).